The following is an entry in ClinVar:

NM_172107.4(KCNQ2):c.1734_1735delinsAA (p.Met578_Leu579delinsIleMet)

Gene: KCNQ2 (potassium voltage-gated channel subfamily Q member 2; minus strand). Cytogenetic location: 20q13.33.
Variant type: Indel.
Coding change: c.1734_1735delinsAA on transcript NM_172107.4 (MANE Select); coding-DNA positions 1734 to 1735, GC replaced by AA.
Protein change: p.Met578_Leu579delinsIleMet.
Molecular consequence: missense variant.
Genome position (GRCh38, 1-based): chr20:63,413,478-63,413,479, GC replaced by TT on the plus strand (GC replaced by AA on the coding strand, the reverse complement: KCNQ2 is on the minus strand). VCF-style: chr20-63413478-GC-TT. GRCh37 (hg19) VCF-style: chr20-62044831-GC-TT.
Other names: c.1650_1651delinsAA, p.Met550_Leu551delinsIleMet (NM_004518.6); c.1680_1681delinsAA, p.Met560_Leu561delinsIleMet (NM_172106.3); c.1641_1642delinsAA, p.Met547_Leu548delinsIleMet (NM_172108.5).
Identifiers: ClinVar variation 205942 (VCV000205942.1), dbSNP rs796052665, ClinGen allele CA315548.

ClinVar aggregate classification (germline): Pathogenic. Review status: criteria provided, single submitter (1 of 4 stars). 2 submissions from 2 submitters: Pathogenic (1). 1 of the submissions does not count toward it. Last evaluated 2014-07-30.

Conditions:
Developmental and epileptic encephalopathy, 7 (DEE7). Also called: KCNQ2-Related Neonatal Epileptic Encephalopathy; Early infantile epileptic encephalopathy 7; KCNQ2-Related Neonatal-Onset Developmental and Epileptic Encephalopathy (NEO-DEE). Identifiers: Orphanet 439218, MedGen C3150986, MONDO:0013387, OMIM 613720.

Submissions (2):

GeneDx
Classification: Pathogenic. Last evaluated: 2014-07-30. Review status: criteria provided, single submitter. Criteria: GeneDx Variant Classification (06012015). Collection method: clinical testing. Allele origin: germline. Affected: yes.
Comment: c.1734_1735delGCinsAA: p.Met578_Leu579delinsIleMet (M578_L579delinsIM) in exon 15 of the KCNQ2 gene (NM_172107.2). The normal sequence with the bases that are deleted in braces followed by the inserted bases in brackets is: ACAT{GC}[AA]TGTC.The c.1734_1735delGCinsAA mutation results in two missense substitutions on the same allele (in cis), M578I and L579M and are denoted p.Met578_Leu579delinsIleMet.The M578I missense change has not been published as a mutation, nor has it been reported as a benign polymorphism to our knowledge. It was not observed in approximately 6,500 individuals of European and African American ancestry in the NHLBI Exome Sequencing Project, indicating it is not a common benign variant in these populations. M578I is a conservative amino acid substitution, which is not likely to impact secondary protein structure as these residues share similar properties. However, M578I alters a highly conserved position in the subunit interaction domain of the protein, and other missense mutations in this region have been reported in association with KCNQ2-related disorders. In silico analysis predicts this variant is probably damaging to the protein structure/function. Additionally, the M578I missense change has been seen previously at GeneDx. Therefore, we interpret M578I to be a disease-causing mutation. The L579M missense change has not been published as a mutation, nor has it been reported as a benign polymorphism to our knowledge. It was not observed in approximately 6,500 individuals of European and African American ancestry in the NHLBI Exome Sequencing Project, indicating it is not a common benign variant in these populations. L579M is a conservative amino acid substitution, which is not likely to impact secondary protein structure as these residues share similar properties. However, L579M alters a highly conserved position in the subunit interaction domain of the protein, and other missense mutations in this region have been reported in association with KCNQ2-related disorders. In silico analysis predicts this variant is probably damaging to the protein structure/function. The variant is found in EPILEPSY panel(s).

GeneReviews
Classification: Pathogenic for Developmental and epileptic encephalopathy, 7. Last evaluated: 2016-03-31. Review status: no assertion criteria provided. Collection method: literature only. Allele origin: germline. Affected: yes. Not counted in ClinVar's aggregate classification.
Comment: EE (epileptic encephalopathy)

Literature cited by the submitters: PubMed 25818041 (cited by GeneReviews).